The following is an entry in ClinVar:

NM_024513.4(FYCO1):c.3936G>A (p.Ala1312=)

Gene: FYCO1 (FYVE and coiled-coil domain autophagy adaptor 1; minus strand). Cytogenetic location: 3p21.31.
Variant type: single nucleotide variant.
Coding change: c.3936G>A on transcript NM_024513.4 (MANE Select); coding-DNA position 3936, G replaced by A.
Protein change: p.Ala1312=; no amino-acid change (alanine 1312 retained).
Molecular consequence: synonymous variant. On other transcripts: non-coding transcript variant (1).
Genome position (GRCh38, 1-based): chr3:45,955,257, C>T on the plus strand (G>A on the coding strand, the complement: FYCO1 is on the minus strand). VCF-style: chr3-45955257-C-T. GRCh37 (hg19) VCF-style: chr3-45996749-C-T.
Other names: c.3936G>A, p.Ala1312= (NM_001386421.1, NM_001386422.1, NM_001386424.1 and 3 more transcripts); c.3933G>A, p.Ala1311= (NM_001386423.1); c.3816G>A, p.Ala1272= (NM_001386426.1); c.3792G>A, p.Ala1264= (NM_001386427.1); c.3336G>A, p.Ala1112= (NM_001386430.1).
Identifiers: ClinVar variation 4988589 (VCV004988589.1).

ClinVar aggregate classification (germline): Likely benign (1 of 4 stars; one submission).

Conditions:
FYCO1-related disorder. Also called: FYCO1-related condition.

gnomAD v4.1: 65 of 1,613,804 alleles (0.004%); highest among the groups gnomAD compares: Non-Finnish European, 0.0051%; no homozygotes.

Submission:

PreventionGenetics, part of Exact Sciences
Classification: Likely benign for FYCO1-related condition. Last evaluated: 2025-04-26. Review status: criteria provided, single submitter. Criteria: ACMG Guidelines, 2015. Collection method: clinical testing. Allele origin: germline.
Comment: This variant is classified as likely benign based on ACMG/AMP sequence variant interpretation guidelines (Richards et al. 2015 PMID: 25741868, with internal and published modifications).